The following is an entry in ClinVar:

NM_004036.5(ADCY3):c.2911A>G (p.Ile971Val)

Gene: ADCY3 (adenylate cyclase 3; minus strand). Cytogenetic location: 2p23.3.
Variant type: single nucleotide variant.
Coding change: c.2911A>G on transcript NM_004036.5 (MANE Select); coding-DNA position 2911, A replaced by G.
Protein change: p.Ile971Val; replaces isoleucine 971 with valine.
Molecular consequence: missense variant.
Genome position (GRCh38, 1-based): chr2:24,822,603, T>C on the plus strand (A>G on the coding strand, the complement: ADCY3 is on the minus strand). VCF-style: chr2-24822603-T-C. GRCh37 (hg19) VCF-style: chr2-25045472-T-C.
Other names: c.2914A>G, p.Ile972Val (NM_001320613.2); c.2977A>G, p.Ile993Val (NM_001377128.1); c.2773A>G, p.Ile925Val (NM_001377129.1); c.2359A>G, p.Ile787Val (NM_001377130.1); c.2188A>G, p.Ile730Val (NM_001377131.1); c.2911A>G, p.Ile971Val (NM_001377132.1); short protein forms I730V, I787V, I925V, I971V, I993V, I972V.
Identifiers: ClinVar variation 4983448 (VCV004983448.1).

ClinVar aggregate classification (germline): Uncertain significance (1 of 4 stars; one submission).

Conditions:
ADCY3-related disorder. Also called: ADCY3-related condition.

gnomAD v4.1: 321 of 1,613,920 alleles (0.02%); highest among the groups gnomAD compares: Non-Finnish European, 0.027%; no homozygotes.

Submission:

PreventionGenetics, part of Exact Sciences
Classification: Uncertain significance for ADCY3-related condition. Last evaluated: 2026-07-28. Review status: criteria provided, single submitter. Criteria: ACMG Guidelines, 2015. Collection method: clinical testing. Allele origin: germline.
Comment: The ADCY3 c.2914A>G variant is predicted to result in the amino acid substitution p.Ile972Val. To our knowledge, this variant has not been reported in the literature. This variant is reported in 0.010% of alleles in individuals of European (Non-Finnish) descent in gnomAD. At this time, the clinical significance of this variant is uncertain due to the absence of conclusive functional and genetic evidence.